The following is an entry in ClinVar:

NM_000722.4(CACNA2D1):c.2058C>T (p.Asn686=)

Gene: CACNA2D1 (calcium voltage-gated channel auxiliary subunit alpha2delta 1; minus strand). Cytogenetic location: 7q21.11.
Variant type: single nucleotide variant.
Coding change: c.2058C>T on transcript NM_000722.4 (MANE Select); coding-DNA position 2058, C replaced by T.
Protein change: p.Asn686=; no amino-acid change (asparagine 686 retained).
Molecular consequence: synonymous variant.
Genome position (GRCh38, 1-based): chr7:81,971,860, G>A on the plus strand (C>T on the coding strand, the complement: CACNA2D1 is on the minus strand). VCF-style: chr7-81971860-G-A. GRCh37 (hg19) VCF-style: chr7-81601176-G-A.
Other names: c.2058C>T (LRG_437t1); c.2094C>T, p.Asn698= (NM_001366867.1).
Identifiers: ClinVar variation 519383 (VCV000519383.16), dbSNP rs147499376, ClinGen allele CA4317756.
Genomic context (GRCh38, chr7:81,971,860, plus strand): 5'-ATTTTGGACAAGTTCATTTGTAAAGCCTGCATCAAGCAAGACTCTATTAATCAAATCCGC[G>A]TTACCTAACACAGAAAAAGATCATCAGTTACACTCACATTTCTAAAATTATGATCATAAT-3'
Protein context (NP_000713.2, residues 676-696): DRKTPNNPSC[Asn686=]ADLINRVLLD

ClinVar aggregate classification (germline): Benign/Likely benign. Review status: criteria provided, multiple submitters, no conflicts (2 of 4 stars). 4 submissions from 4 submitters: Benign (1); Likely benign (3). Last evaluated 2026-07-01.

Conditions:
Cardiovascular phenotype. Identifiers: MedGen CN230736.
Brugada syndrome. Also called: Sudden Unexplained Death Syndrome; Sudden Unexplained Nocturnal Death Syndrome (SUNDS); Sudden unexplained nocturnal death syndrome; Sudden unexpected nocturnal death syndrome. Identifiers: Orphanet 130, MedGen C1142166, MONDO:0015263.

Allele frequency attached by ClinVar (database versions not stated): ESP Exome Variant Server 0.00015; TOPMed 0.00018; gnomAD exomes 0.00052; gnomAD 0.00062; 1000 Genomes Project 30x 0.00094; 1000 Genomes Project 0.00120.
gnomAD v4.1: 856 of 1,591,744 alleles (0.054%); highest among the groups gnomAD compares: Non-Finnish European, 0.034%; 1 homozygote.

Submissions (4):

CeGaT Center for Human Genetics Tuebingen
Classification: Likely benign. Last evaluated: 2026-07-01. Review status: criteria provided, single submitter. Criteria: CeGaT Center For Human Genetics Tuebingen Variant Classification Criteria Version 2. Collection method: clinical testing. Allele origin: germline. Affected: yes. Observed: 1 variant allele.
Comment: CACNA2D1: BP4, BP7

Labcorp Genetics (formerly Invitae), Labcorp
Classification: Benign for Brugada syndrome. Last evaluated: 2025-12-15. Review status: criteria provided, single submitter. Criteria: Invitae Variant Classification Sherloc (09022015). Collection method: clinical testing. Allele origin: germline.

GeneDx
Classification: Likely benign. Last evaluated: 2021-03-18. Review status: criteria provided, single submitter. Criteria: GeneDx Variant Classification Process June 2021. Collection method: clinical testing. Allele origin: germline. Affected: yes.

Ambry Genetics
Classification: Likely benign for Cardiovascular phenotype. Last evaluated: 2017-01-19. Review status: criteria provided, single submitter. Criteria: Ambry Variant Classification Scheme 2023. Collection method: clinical testing. Allele origin: germline.